The following is an entry in ClinVar:

NM_000388.4(CASR):c.782A>C (p.Asn261Thr)

Gene: CASR (calcium sensing receptor; plus strand). Cytogenetic location: 3q21.1.
Variant type: single nucleotide variant.
Coding change: c.782A>C on transcript NM_000388.4 (MANE Select); coding-DNA position 782, A replaced by C.
Protein change: p.Asn261Thr; replaces asparagine 261 with threonine.
Molecular consequence: missense variant.
Genome position (GRCh38, 1-based): chr3:122,261,817, A>C. VCF-style: chr3-122261817-A-C. GRCh37 (hg19) VCF-style: chr3-121980664-A-C.
Other names: c.782A>C, p.Asn261Thr (NM_001178065.2); short protein forms N261T.
Identifiers: ClinVar variation 1502382 (VCV001502382.8), dbSNP rs2074627203, ClinGen allele CA354151344.

ClinVar aggregate classification (germline): Uncertain significance. Review status: criteria provided, multiple submitters, no conflicts (2 of 4 stars). 2 submissions from 2 submitters: Uncertain significance (2). Last evaluated 2023-09-03.

Conditions:
Autosomal dominant hypocalcemia 1 (HYPOC1). Also called: HYPOCALCEMIA, FAMILIAL. Identifiers: MedGen C3715128, MONDO:0011013, OMIM 601198.
Familial hypocalciuric hypercalcemia (FHH). Also called: Familial benign hypercalcemia. Identifiers: Orphanet 405, MedGen C1809471, MONDO:0018458.
Nephrolithiasis/nephrocalcinosis. Identifiers: MedGen CN580796.

Allele frequency attached by ClinVar (database versions not stated): TOPMed below 0.00001.

Submissions (2):

Labcorp Genetics (formerly Invitae), Labcorp
Classification: Uncertain significance for Familial hypocalciuric hypercalcemia; Autosomal dominant hypocalcemia 1. Last evaluated: 2023-09-03. Review status: criteria provided, single submitter. Criteria: Invitae Variant Classification Sherloc (09022015). Collection method: clinical testing. Allele origin: germline.
Comment: ClinVar contains an entry for this variant (Variation ID: 1502382). This variant has not been reported in the literature in individuals affected with CASR-related conditions. This variant is not present in population databases (gnomAD no frequency). This sequence change replaces asparagine, which is neutral and polar, with threonine, which is neutral and polar, at codon 261 of the CASR protein (p.Asn261Thr). An algorithm developed to predict the effect of missense changes on protein structure and function (PolyPhen-2) suggests that this variant is likely to be disruptive. In summary, the available evidence is currently insufficient to determine the role of this variant in disease. Therefore, it has been classified as a Variant of Uncertain Significance.

Ambry Genetics
Classification: Uncertain significance for Nephrolithiasis/nephrocalcinosis. Last evaluated: 2022-04-19. Review status: criteria provided, single submitter. Criteria: Ambry Variant Classification Scheme 2023. Collection method: clinical testing. Allele origin: germline.
Comment: The p.N261T variant (also known as c.782A>C), located in coding exon 3 of the CASR gene, results from an A to C substitution at nucleotide position 782. The asparagine at codon 261 is replaced by threonine, an amino acid with similar properties. This amino acid position is conserved. In addition, the in silico prediction for this alteration is inconclusive. Since supporting evidence is limited at this time, the clinical significance of this alteration remains unclear.